The following is an entry in ClinVar:

NM_001083116.3(PRF1):c.560C>T (p.Pro187Leu)

Gene: PRF1 (perforin 1; minus strand). Cytogenetic location: 10q22.1.
Variant type: single nucleotide variant.
Coding change: c.560C>T on transcript NM_001083116.3 (MANE Select); coding-DNA position 560, C replaced by T.
Protein change: p.Pro187Leu; replaces proline 187 with leucine.
Molecular consequence: missense variant.
Genome position (GRCh38, 1-based): chr10:70,599,161, G>A on the plus strand (C>T on the coding strand, the complement: PRF1 is on the minus strand). VCF-style: chr10-70599161-G-A. GRCh37 (hg19) VCF-style: chr10-72358917-G-A.
Other names: c.560C>T, p.Pro187Leu (NM_005041.6); short protein forms P187L.
Identifiers: ClinVar variation 2417170 (VCV002417170.3), dbSNP rs1848183841, ClinGen allele CA376959143.

ClinVar aggregate classification (germline): Uncertain significance (1 of 4 stars; one submission).

Conditions:
Familial hemophagocytic lymphohistiocytosis 2 (FHL2). Also called: PRF1-Related Familial Hemophagocytic Lymphohistiocytosis (PRF1-fHLH). Identifiers: Orphanet 540, MedGen C1863727, MONDO:0011337, OMIM 603553.

Allele frequency attached by ClinVar (database versions not stated): gnomAD 0.00001.

Submission:

Labcorp Genetics (formerly Invitae), Labcorp
Classification: Uncertain significance for Familial hemophagocytic lymphohistiocytosis 2. Last evaluated: 2022-02-06. Review status: criteria provided, single submitter. Criteria: Invitae Variant Classification Sherloc (09022015). Collection method: clinical testing. Allele origin: germline.
Comment: This sequence change replaces proline, which is neutral and non-polar, with leucine, which is neutral and non-polar, at codon 187 of the PRF1 protein (p.Pro187Leu). This variant is not present in population databases (gnomAD no frequency). This variant has not been reported in the literature in individuals affected with PRF1-related conditions. Algorithms developed to predict the effect of missense changes on protein structure and function are either unavailable or do not agree on the potential impact of this missense change (SIFT: "Tolerated"; PolyPhen-2: "Probably Damaging"; Align-GVGD: "Class C0"). In summary, the available evidence is currently insufficient to determine the role of this variant in disease. Therefore, it has been classified as a Variant of Uncertain Significance.